The following is an entry in ClinVar:

ClinVar aggregate classification (germline): Benign. Review status: criteria provided, multiple submitters, no conflicts (2 of 4 stars). 6 submissions from 6 submitters: Benign (5). 1 of the submissions does not count toward it. Last evaluated 2026-02-02.

Conditions:
Epidermolysis bullosa simplex. Also called: Epidermolysis bullosa simplex, Weber-Cockayne type (subtype); Epidermolysis bullosa simplex, Dowling-Meara type (subtype); Epidermolysis bullosa simplex with mottled pigmentation (subtype). Identifiers: Orphanet 304, MedGen C0079298, MONDO:0017610.

Allele frequency attached by ClinVar (database versions not stated): gnomAD exomes 0.24522; 1000 Genomes Project 30x 0.21502; 1000 Genomes Project 0.21506; gnomAD 0.22942 and 0.22738; TOPMed 0.23067.
gnomAD v4.1: 420,933 of 1,610,082 alleles (26%); highest among the groups gnomAD compares: East Asian, 38%; 55,915 homozygotes.

Submissions (6):

Labcorp Genetics (formerly Invitae), Labcorp
Classification: Benign. Last evaluated: 2026-02-02. Review status: criteria provided, single submitter. Criteria: Invitae Variant Classification Sherloc (09022015). Collection method: clinical testing. Allele origin: germline.

Illumina Laboratory Services, Illumina
Classification: Benign for Epidermolysis bullosa simplex. Last evaluated: 2018-03-06. Review status: criteria provided, single submitter. Criteria: ICSL Variant Classification Criteria 13 December 2019. Collection method: clinical testing. Allele origin: germline.
Comment: This variant was observed in the ICSL laboratory as part of a predisposition screen in an ostensibly healthy population. It had not been previously curated by ICSL or reported in the Human Gene Mutation Database (HGMD: prior to June 1st, 2018), and was therefore a candidate for classification through an automated scoring system. Utilizing variant allele frequency, disease prevalence and penetrance estimates, and inheritance mode, an automated score was calculated to assess if this variant is too frequent to cause the disease. Based on the score and internal cut-off values, a variant classified as benign is not then subjected to further curation. The score for this variant resulted in a classification of benign for this disease.

GeneDx
Classification: Benign. Last evaluated: 2015-03-03. Review status: criteria provided, single submitter. Criteria: GeneDx Variant Classification Process June 2021. Collection method: clinical testing. Allele origin: germline. Affected: yes.
Comment: This variant is associated with the following publications: (PMID: 31965605, 19578363)

Breakthrough Genomics
Classification: Benign. Review status: criteria provided, single submitter. Criteria: ACMG Guidelines, 2015. Collection method: not provided. Allele origin: germline. Inheritance: Autosomal recessive inheritance. Affected: yes.

PreventionGenetics, part of Exact Sciences
Classification: Benign. Review status: criteria provided, single submitter. Criteria: ACMG Guidelines, 2015. Collection method: clinical testing. Allele origin: germline.

Epithelial Biology;  Institute of Medical Biology, Singapore
No classification provided. Review status: no classification provided. Collection method: not provided. Allele origin: not provided. Not counted in ClinVar's aggregate classification.

NM_000424.4(KRT5):c.591C>A (p.Asp197Glu)

Genes: KRT5 (keratin 5; minus strand), LOC126861526 (BRD4-independent group 4 enhancer GRCh37_chr12:52912066-52913265; plus strand). Cytogenetic location: 12q13.13.
Variant type: single nucleotide variant.
Coding change: c.591C>A on transcript NM_000424.4 (MANE Select); coding-DNA position 591, C replaced by A.
Protein change: p.Asp197Glu; replaces aspartic acid 197 with glutamic acid.
Molecular consequence: missense variant.
Genome position (GRCh38, 1-based): chr12:52,519,125, G>T on the plus strand (C>A on the coding strand, the complement: KRT5 is on the minus strand). VCF-style: chr12-52519125-G-T. GRCh37 (hg19) VCF-style: chr12-52912909-G-T.
Other names: short protein forms D197E.
Identifiers: ClinVar variation 66275 (VCV000066275.16), dbSNP rs641615, ClinGen allele CA216776.